The following is an entry in ClinVar:

ClinVar aggregate classification (germline): Uncertain significance (1 of 4 stars; one submission).

Submission:

Women's Health and Genetics/Laboratory Corporation of America, LabCorp
Classification: Uncertain significance. Last evaluated: 2024-10-08. Review status: criteria provided, single submitter. Criteria: LabCorp Variant Classification Summary - May 2015. Collection method: clinical testing. Allele origin: germline.
Comment: Variant summary: The variant involves the duplication of exons 9-10 in the CRPPA gene. A presumed nomenclature of c.(1119+1_1120-1)_(*4171_?)dup has been designated for the purposes of this classification. The exact breakpoint at the 3' end of this variant is unknown, therefore this duplication may extend downstream of the annotated region of the gene. As it duplicates the termination codon, its effect on the encoded protein is unknown. The variant was absent in 21692 control chromosomes. The available data on variant occurrences in the general population are insufficient to allow any conclusion about variant significance. To our knowledge, no occurrence of c.(1119+1_1120-1)_(*4171_?)dup in individuals affected with CRPPA-Related Disorders and no experimental evidence demonstrating its impact on protein function have been reported. No submitters have cited clinical-significance assessments for this variant to ClinVar. Based on the evidence outlined above, the variant was classified as uncertain significance.

NC_000007.13:g.(?_16127149)_(16255823_16298014)dup

Gene: CRPPA (CDP-L-ribitol pyrophosphorylase A; minus strand). Cytogenetic location: 7p21.2.
Variant type: Duplication.
Identifiers: ClinVar variation 3384868 (VCV003384868.1).